The following is an entry in ClinVar:

ClinVar aggregate classification (germline): Uncertain significance (1 of 4 stars; one submission).

Allele frequency attached by ClinVar (database versions not stated): gnomAD exomes 0.00001.
gnomAD v4.1: 4 of 1,612,740 alleles (0.00025%); highest among the groups gnomAD compares: Non-Finnish European, 0.00034%; no homozygotes.

Submission:

Labcorp Genetics (formerly Invitae), Labcorp
Classification: Uncertain significance. Last evaluated: 2022-08-31. Review status: criteria provided, single submitter. Criteria: Invitae Variant Classification Sherloc (09022015). Collection method: clinical testing. Allele origin: germline.
Comment: This sequence change replaces glutamine, which is neutral and polar, with arginine, which is basic and polar, at codon 59 of the SCP2 protein (p.Gln59Arg). This variant is present in population databases (no rsID available, gnomAD 0.002%). This variant has not been reported in the literature in individuals affected with SCP2-related conditions. ClinVar contains an entry for this variant (Variation ID: 1348605). Algorithms developed to predict the effect of missense changes on protein structure and function are either unavailable or do not agree on the potential impact of this missense change (SIFT: "Deleterious"; PolyPhen-2: "Benign"; Align-GVGD: "Class C0"). In summary, the available evidence is currently insufficient to determine the role of this variant in disease. Therefore, it has been classified as a Variant of Uncertain Significance.

NM_002979.5(SCP2):c.176A>G (p.Gln59Arg)

Gene: SCP2 (sterol carrier protein 2; plus strand). Cytogenetic location: 1p32.3.
Variant type: single nucleotide variant.
Coding change: c.176A>G on transcript NM_002979.5 (MANE Select); coding-DNA position 176, A replaced by G.
Protein change: p.Gln59Arg; replaces glutamine 59 with arginine.
Molecular consequence: missense variant. On other transcripts: 5 prime UTR variant (1), intron variant (1).
Genome position (GRCh38, 1-based): chr1:52,948,057, A>G. VCF-style: chr1-52948057-A-G. GRCh37 (hg19) VCF-style: chr1-53413729-A-G.
Other names: c.176A>G, p.Gln59Arg (NM_001007098.3, NM_001193600.2, NM_001330587.2); c.-68A>G (NM_001193617.2); c.128-2698A>G (NM_001193599.2); short protein forms Q59R.
Identifiers: ClinVar variation 1348605 (VCV001348605.5), dbSNP rs1315416896, ClinGen allele CA340386221.